The following is an entry in ClinVar:

ClinVar aggregate classification (germline): Conflicting classifications of pathogenicity. Review status: criteria provided, conflicting classifications (1 of 4 stars). 7 submissions from 7 submitters: Uncertain significance (4); Likely benign (2). 1 of the submissions does not count toward it. Last evaluated 2026-04-21.

Conditions:
Hereditary cancer-predisposing syndrome. Also called: Neoplastic Syndromes, Hereditary; Hereditary neoplastic syndrome; Tumor predisposition; Hereditary Cancer Syndrome. Identifiers: Orphanet 140162, MedGen C0027672, MeSH D009386, MONDO:0015356.
Breast-ovarian cancer, familial, susceptibility to, 1 (BROVCA1). Also called: OVARIAN CANCER, SUSCEPTIBILITY TO; BRCA1 Hereditary Breast and Ovarian Cancer. Identifiers: Orphanet 145, MedGen C2676676, MONDO:0011450, OMIM 604370. Disease mechanism: loss of function.
Ataxia-telangiectasia syndrome (AT). Also called: Ataxia telangiectasia (A-T); Cerebello-oculocutaneous telangiectasia; Immunodeficiency with ataxia telangiectasia; LOUIS-BAR SYNDROME; AT, COMPLEMENTATION GROUP C; ATAXIA-TELANGIECTASIA, FRESNO VARIANT. Identifiers: Orphanet 100, MedGen C0004135, MONDO:0008840, OMIM 208900.

Allele frequency attached by ClinVar (database versions not stated): gnomAD 0.00002 and below 0.00001; gnomAD exomes 0.00002 and 0.00004; ExAC 0.00003.
gnomAD v4.1: 36 of 1,614,092 alleles (0.0022%); highest among the groups gnomAD compares: South Asian, 0.04%; 1 homozygote.

Submissions (7):

Ambry Genetics
Classification: Likely benign for Hereditary cancer-predisposing syndrome. Last evaluated: 2026-04-21. Review status: criteria provided, single submitter. Criteria: Ambry Variant Classification Scheme 2023. Collection method: clinical testing. Allele origin: germline.

Labcorp Genetics (formerly Invitae), Labcorp
Classification: Likely benign for Ataxia-telangiectasia syndrome. Last evaluated: 2025-10-06. Review status: criteria provided, single submitter. Criteria: Invitae Variant Classification Sherloc (09022015). Collection method: clinical testing. Allele origin: germline.

Color Diagnostics, LLC DBA Color Health
Classification: Uncertain significance for Hereditary cancer-predisposing syndrome. Last evaluated: 2025-01-28. Review status: criteria provided, single submitter. Criteria: ACMG Guidelines, 2015. Collection method: clinical testing. Allele origin: germline.
Comment: This missense variant replaces glutamic acid with alanine at codon 2457 of the ATM protein. Computational prediction suggests that this variant may not impact protein structure and function. To our knowledge, functional studies have not been reported for this variant. This variant has been reported in an individual affected with breast cancer (PMID: 36200007). This variant has been identified in 11/251274 chromosomes in the general population by the Genome Aggregation Database (gnomAD). The available evidence is insufficient to determine the role of this variant in disease conclusively. Therefore, this variant is classified as a Variant of Uncertain Significance.

GeneDx
Classification: Uncertain significance. Last evaluated: 2024-10-16. Review status: criteria provided, single submitter. Criteria: GeneDx Variant Classification Process June 2021. Collection method: clinical testing. Allele origin: germline. Affected: yes.
Comment: Reported previously as a variant of uncertain significance in a patient with breast cancer (PMID: 36200007); In silico analysis indicates that this missense variant does not alter protein structure/function; This variant is associated with the following publications: (PMID: 35585550, 23532176, 36200007)

Mayo Clinic Laboratories, Mayo Clinic
Classification: Uncertain significance. Last evaluated: 2024-07-22. Review status: criteria provided, single submitter. Criteria: ACMG Guidelines, 2015. Collection method: clinical testing. Allele origin: germline. Observed: 1 variant allele.
Comment: BP4

Neuberg Centre For Genomic Medicine, NCGM
Classification: Uncertain significance for Breast-ovarian cancer, familial, susceptibility to, 1. Review status: criteria provided, single submitter. Criteria: ACMG Guidelines, 2015. Collection method: clinical testing. Allele origin: germline. Inheritance: Autosomal dominant inheritance. Affected: yes.
Comment: The missense variant p.E2457A in ATM (NM_000051.4) has not been reported previously as a pathogenic variant nor as a benign variant, to our knowledge. The p.E2457A variant has a GnomAD frequency of 0.00004378 % and is novel (not in any individuals) in 1000 Genomes. There is a moderate physicochemical difference between glutamic acid and alanine. In silico tools predict the variant to be tolerated. The residue is conserved across species. The amino acid change p.Glu2457Ala in ATM is predicted as conserved by GERP++ and PhyloP across 100 vertebrates. For these reasons, this variant has been classified as Uncertain Significance.

Natera, Inc.
Classification: Uncertain significance for Ataxia-telangiectasia. Last evaluated: 2020-09-09. Review status: no assertion criteria provided. Collection method: clinical testing. Allele origin: germline. Not counted in ClinVar's aggregate classification.

Literature cited by the submitters: PubMed 40580951 (cited by Ambry Genetics); PubMed 36200007 (cited by Color Diagnostics, LLC DBA Color Health).

NM_000051.4(ATM):c.7370A>C (p.Glu2457Ala)

Genes: C11orf65 (chromosome 11 open reading frame 65; minus strand), ATM (ATM serine/threonine kinase; plus strand). Cytogenetic location: 11q22.3.
Variant type: single nucleotide variant.
Coding change: c.7370A>C on transcript NM_000051.4 (MANE Select); coding-DNA position 7370, A replaced by C.
Protein change: p.Glu2457Ala; replaces glutamic acid 2457 with alanine.
Molecular consequence: missense variant. On other transcripts: intron variant (2).
Genome position (GRCh38, 1-based): chr11:108,330,276, A>C. VCF-style: chr11-108330276-A-C. GRCh37 (hg19) VCF-style: chr11-108201003-A-C.
Other names: p.Glu2457Ala; c.7370A>C, p.Glu2457Ala (NM_001351834.2); c.641-21205T>G (NM_001330368.2); c.*38+4944T>G (NM_001351110.2); short protein forms E2457A.
Identifiers: ClinVar variation 231363 (VCV000231363.37), dbSNP rs778482902, ClinGen allele CA6266104.
Genomic context (GRCh38, chr11:108,330,276, plus strand): 5'-ACACAGTAAAGGTTCAGCGAGAGCTGGAGTTGGATGAATTAGCCCTGCGTGCACTGAAAG[A>C]GGATCGTAAACGCTTCTTATGTAAAGCAGTTGAAAATTATATCAACTGCTTATTAAGTGG-3'
Protein context (NP_000042.3, residues 2447-2467): LDELALRALK[Glu2457Ala]DRKRFLCKAV